The following is an entry in ClinVar:

ClinVar aggregate classification (germline): Benign (0 of 4 stars; one submission).

Conditions:
KCNJ12-related disorder. Also called: KCNJ12-related condition.

Allele frequency attached by ClinVar (database versions not stated): ExAC 0.50007.

Submission:

PreventionGenetics, part of Exact Sciences
Classification: Benign for KCNJ12-related condition. Last evaluated: 2019-10-17. Review status: no assertion criteria provided. Collection method: clinical testing. Allele origin: germline.
Comment: This variant is classified as benign based on ACMG/AMP sequence variant interpretation guidelines (Richards et al. 2015 PMID: 25741868, with internal and published modifications).

NM_021012.5(KCNJ12):c.648T>C (p.Gly216=)

Gene: KCNJ12 (potassium inwardly rectifying channel subfamily J member 12; plus strand). Cytogenetic location: 17p11.2.
Variant type: single nucleotide variant.
Coding change: c.648T>C on transcript NM_021012.5 (MANE Select); coding-DNA position 648, T replaced by C.
Protein change: p.Gly216=; no amino-acid change (glycine 216 retained).
Molecular consequence: synonymous variant.
Genome position (GRCh38, 1-based): chr17:21,415,990, T>C. VCF-style: chr17-21415990-T-C. GRCh37 (hg19) VCF-style: chr17-21319302-T-C.
Identifiers: ClinVar variation 3059683 (VCV003059683.2), dbSNP rs1657743, ClinGen allele CA8451217.
Genomic context (GRCh38, chr17:21,415,990, plus strand): 5'-CAGCCACAACGCCGTGGTGGCCCTGCGTGACGGCAAGCTCTGCCTCATGTGGCGTGTGGG[T>C]AACCTGCGCAAGAGCCACATTGTGGAGGCCCATGTGCGCGCGCAGCTCATCAAGCCGCGG-3'
Protein context (NP_066292.2, residues 206-226): DGKLCLMWRV[Gly216=]NLRKSHIVEA